The following is an entry in ClinVar:

ClinVar aggregate classification (germline): Uncertain significance (1 of 4 stars; one submission).

gnomAD v4.1: 1 of 1,212,283 alleles (0.000082%); highest among the groups gnomAD compares: African/African-American, 0.0017%; no homozygotes.

Submission:

GeneDx
Classification: Uncertain significance. Last evaluated: 2016-02-22. Review status: criteria provided, single submitter. Criteria: GeneDx Variant Classification (06012015). Collection method: clinical testing. Allele origin: germline. Affected: yes.
Comment: A variant of uncertain significance has been identified in the CDKL5 gene. The Q979K variant has not been publishedas a pathogenic variant, nor has it been reported as a benign variant to our knowledge. It was not observed inapproximately 6,500 individuals of European and African American ancestry in the NHLBI Exome SequencingProject, indicating it is not a common benign variant in these populations. The Q979K variant is a semi-conservativeamino acid substitution, which may impact secondary protein structure as these residues differ in some properties.However, this substitution occurs at a position that is not conserved. In silico analysis is inconsistent in itspredictions as to whether or not the variant is damaging to the protein structure/function. Therefore, based on thecurrently available information, it is unclear whether this variant is a pathogenic variant or a rare benign variant.

NM_003159.3(CDKL5):c.2935C>A (p.Gln979Lys)

Genes: CDKL5 (cyclin dependent kinase like 5; plus strand), RS1 (retinoschisin 1; minus strand). Cytogenetic location: Xp22.13.
Variant type: single nucleotide variant.
Coding change: c.2935C>A on transcript NM_003159.3; coding-DNA position 2935, C replaced by A.
Protein change: p.Gln979Lys; replaces glutamine 979 with lysine.
Molecular consequence: missense variant. On other transcripts: intron variant (1).
Genome position (GRCh38, 1-based): chrX:18,650,547, C>A. VCF-style: chrX-18650547-C-A. GRCh37 (hg19) VCF-style: chrX-18668667-C-A.
Other names: c.2935C>A, p.Gln979Lys (NM_001037343.2); c.185-3215G>T (NM_000330.4); short protein forms Q979K.
Identifiers: ClinVar variation 420445 (VCV000420445.4), dbSNP rs775114662, ClinGen allele CA16621288.
Genomic context (GRCh38, chrX:18,650,547, plus strand): 5'-TCCAGTCCTGCTCCCTATCCAGTACTCCAGGTCCGAGGCACTTCCATGTGCCCGACACTC[C>A]AGGTCCGAGGCACTGATGCTTTCAGCTGCCCAACCCAGCAATCCGGTAAGCAGAGACTCT-3'